The following is an entry in ClinVar:

NM_001012614.2(CTBP1):c.162+136G>A

Gene: CTBP1 (C-terminal binding protein 1; minus strand). Cytogenetic location: 4p16.3.
Variant type: single nucleotide variant.
Coding change: c.162+136G>A on transcript NM_001012614.2 (MANE Select); 136 bases into the intron after coding-DNA position 162, G replaced by A.
Molecular consequence: intron variant.
Genome position (GRCh38, 1-based): chr4:1,238,047, C>T on the plus strand (G>A on the coding strand, the complement: CTBP1 is on the minus strand). VCF-style: chr4-1238047-C-T. GRCh37 (hg19) VCF-style: chr4-1231835-C-T.
Other names: c.162+136G>A (NM_001377192.1, NM_001377189.1, NM_001377193.1 and 4 more transcripts); c.195+136G>A (NM_001328.3, NM_001377186.1).
Identifiers: ClinVar variation 4871926 (VCV004871926.2).
Genomic context (GRCh38, chr4:1,238,047, plus strand): 5'-ACCCGATGTCCACCTCCTGATGGTGTCCAGGGAAAACCCCGTGTCCACCTCCTGACGGCG[C>T]GGGACGACTGGGACAGAGGCTGCTCCTGCCCCAGTGGCACCCAGACCTGCTGTGGCCCGG-3'

ClinVar aggregate classification (germline): Likely benign (1 of 4 stars; one submission).

gnomAD v4.1: 57 of 1,186,936 alleles (0.0048%); highest among the groups gnomAD compares: African/African-American, 0.043%; no homozygotes.

Submission:

CeGaT Center for Human Genetics Tuebingen
Classification: Likely benign. Last evaluated: 2026-04-01. Review status: criteria provided, single submitter. Criteria: CeGaT Center For Human Genetics Tuebingen Variant Classification Criteria Version 2. Collection method: clinical testing. Allele origin: germline. Affected: yes. Observed: 1 variant allele.
Comment: CTBP1: PP2, BP4, BS2